The following is an entry in ClinVar:

ClinVar aggregate classification (germline): Pathogenic (1 of 4 stars; one submission).

Conditions:
Familial thoracic aortic aneurysm and aortic dissection (TAAD). Also called: Thoracic aortic aneurysms and dissections. Identifiers: Orphanet 91387, MedGen C4707243, MONDO:0019625.
Marfan syndrome (MFS). Also called: FBN1-Related Marfan Syndrome; Marfan's syndrome; MARFAN SYNDROME, TYPE I; Marfan syndrome type 1; Marfan syndrome, classic. Identifiers: Orphanet 284963, Orphanet 558, MedGen C0024796, MONDO:0007947, OMIM 154700.

Submission:

Labcorp Genetics (formerly Invitae), Labcorp
Classification: Pathogenic for Marfan syndrome; Familial thoracic aortic aneurysm and aortic dissection. Last evaluated: 2019-04-09. Review status: criteria provided, single submitter. Criteria: Invitae Variant Classification Sherloc (09022015). Collection method: clinical testing. Allele origin: germline.
Comment: This sequence change affects an acceptor splice site in intron 25 of the FBN1 gene. It is expected to disrupt RNA splicing and likely results in an absent or disrupted protein product. This variant is not present in population databases (ExAC no frequency). Disruption of this splice site has been observed in individuals affected with Marfan syndrome (PMID: 19012347, 19159394, 26684006). Algorithms developed to predict the effect of sequence changes on RNA splicing suggest that this variant may disrupt the consensus splice site, but this prediction has not been confirmed by published transcriptional studies. Donor and acceptor splice site variants typically lead to a loss of protein function (PMID: 16199547), and loss-of-function variants in FBN1 are known to be pathogenic (PMID: 17657824, 19293843). For these reasons, this variant has been classified as Pathogenic.

Literature cited by the submitters: PubMed 19012347; PubMed 19159394; PubMed 26684006; PubMed 16199547; PubMed 17657824; PubMed 19293843.

NM_000138.5(FBN1):c.3083-2A>C

Gene: FBN1 (fibrillin 1; minus strand). Cytogenetic location: 15q21.1.
Variant type: single nucleotide variant.
Coding change: c.3083-2A>C on transcript NM_000138.5 (MANE Select); the canonical splice acceptor site of the intron before coding-DNA position 3083, A replaced by C.
Molecular consequence: splice acceptor variant.
Genome position (GRCh38, 1-based): chr15:48,488,495, T>G on the plus strand (A>C on the coding strand, the complement: FBN1 is on the minus strand). VCF-style: chr15-48488495-T-G. GRCh37 (hg19) VCF-style: chr15-48780692-T-G.
Other names: c.3083-2A>C (NM_001406716.1).
Identifiers: ClinVar variation 834974 (VCV000834974.10), dbSNP rs2043529474, ClinGen allele CA392328344.